The following is an entry in ClinVar:

ClinVar aggregate classification (germline): Uncertain significance (1 of 4 stars; one submission).

gnomAD v4.1: 3 of 1,614,126 alleles (0.00019%); highest among the groups gnomAD compares: South Asian, 0.0011%; no homozygotes.

Submission:

Labcorp Genetics (formerly Invitae), Labcorp
Classification: Uncertain significance. Last evaluated: 2024-06-06. Review status: criteria provided, single submitter. Criteria: Invitae Variant Classification Sherloc (09022015). Collection method: clinical testing. Allele origin: germline.
Comment: This sequence change replaces arginine, which is basic and polar, with glutamine, which is neutral and polar, at codon 6 of the TAOK2 protein (p.Arg6Gln). The frequency data for this variant in the population databases is considered unreliable, as metrics indicate poor data quality at this position in the gnomAD database. This variant has not been reported in the literature in individuals affected with TAOK2-related conditions. An algorithm developed to predict the effect of missense changes on protein structure and function (PolyPhen-2) suggests that this variant is likely to be disruptive. In summary, the available evidence is currently insufficient to determine the role of this variant in disease. Therefore, it has been classified as a Variant of Uncertain Significance.

NM_016151.4(TAOK2):c.17G>A (p.Arg6Gln)

Gene: TAOK2 (TAO kinase 2; plus strand). Cytogenetic location: 16p11.2.
Variant type: single nucleotide variant.
Coding change: c.17G>A on transcript NM_016151.4 (MANE Select); coding-DNA position 17, G replaced by A.
Protein change: p.Arg6Gln; replaces arginine 6 with glutamine.
Molecular consequence: missense variant.
Genome position (GRCh38, 1-based): chr16:29,977,789, G>A. VCF-style: chr16-29977789-G-A. GRCh37 (hg19) VCF-style: chr16-29989110-G-A.
Other names: c.17G>A, p.Arg6Gln (NM_001252043.2, NM_004783.4); short protein forms R6Q.
Identifiers: ClinVar variation 3678480 (VCV003678480.2).